The following is an entry in ClinVar:

ClinVar aggregate classification (germline): Uncertain significance (1 of 4 stars; one submission).

Conditions:
Weaver syndrome (WVS). Also called: Weaver Smith syndrome; Overgrowth syndrome with accelerated skeletal maturation, unusual facies, and camptodactyly. Identifiers: Orphanet 3447, MedGen C0265210, MONDO:0010193, OMIM 277590.

Submission:

Labcorp Genetics (formerly Invitae), Labcorp
Classification: Uncertain significance for Weaver syndrome. Last evaluated: 2021-11-12. Review status: criteria provided, single submitter. Criteria: Invitae Variant Classification Sherloc (09022015). Collection method: clinical testing. Allele origin: germline.
Comment: In summary, the available evidence is currently insufficient to determine the role of this variant in disease. Therefore, it has been classified as a Variant of Uncertain Significance. Algorithms developed to predict the effect of missense changes on protein structure and function are either unavailable or do not agree on the potential impact of this missense change (SIFT: "Tolerated"; PolyPhen-2: "Possibly Damaging"; Align-GVGD: "Class C0"). This sequence change replaces arginine, which is basic and polar, with glutamine, which is neutral and polar, at codon 25 of the EZH2 protein (p.Arg25Gln). This variant is not present in population databases (gnomAD no frequency). This missense change has been observed in individual(s) with clinical features of Weaver syndrome (PMID: 24214728).

Literature cited by the submitters: PubMed 24214728.

NM_004456.5(EZH2):c.74G>A (p.Arg25Gln)

Gene: EZH2 (enhancer of zeste 2 polycomb repressive complex 2 subunit; minus strand). Cytogenetic location: 7q36.1.
Variant type: single nucleotide variant.
Coding change: c.74G>A on transcript NM_004456.5 (MANE Select); coding-DNA position 74, G replaced by A.
Protein change: p.Arg25Gln; replaces arginine 25 with glutamine.
Molecular consequence: missense variant.
Genome position (GRCh38, 1-based): chr7:148,847,225, C>T on the plus strand (G>A on the coding strand, the complement: EZH2 is on the minus strand). VCF-style: chr7-148847225-C-T. GRCh37 (hg19) VCF-style: chr7-148544317-C-T.
Other names: c.74G>A, p.Arg25Gln (NM_001203247.2, NM_001203248.2, NM_001203249.2 and 1 more transcripts); short protein forms R25Q.
Identifiers: ClinVar variation 1377063 (VCV001377063.6), dbSNP rs2129485373, ClinGen allele CA369708479.